The following is an entry in ClinVar:

NM_000834.5(GRIN2B):c.3772A>G (p.Asn1258Asp)

Gene: GRIN2B (glutamate ionotropic receptor NMDA type subunit 2B; minus strand). Cytogenetic location: 12p13.1.
Variant type: single nucleotide variant.
Coding change: c.3772A>G on transcript NM_000834.5 (MANE Select); coding-DNA position 3772, A replaced by G.
Protein change: p.Asn1258Asp; replaces asparagine 1258 with aspartic acid.
Molecular consequence: missense variant.
Genome position (GRCh38, 1-based): chr12:13,563,466, T>C on the plus strand (A>G on the coding strand, the complement: GRIN2B is on the minus strand). VCF-style: chr12-13563466-T-C. GRCh37 (hg19) VCF-style: chr12-13716400-T-C.
Other names: short protein forms N1258D.
Identifiers: ClinVar variation 1721245 (VCV001721245.7), dbSNP rs2497467230, ClinGen allele CA383987526.

ClinVar aggregate classification (germline): Uncertain significance. Review status: criteria provided, multiple submitters, no conflicts (2 of 4 stars). 2 submissions from 2 submitters: Uncertain significance (2). Last evaluated 2023-06-27.

Conditions:
Intellectual developmental disorder, autosomal dominant 6, with or without seizures. Also called: GRIN2B-related developmental delay, intellectual disability and autism spectrum disorder; Intellectual disability, autosomal dominant 6. Identifiers: Orphanet 589547, MedGen C3151411, MONDO:0013509, OMIM 613970.
Developmental and epileptic encephalopathy, 27 (DEE27). Also called: GRIN2B-Related Neurodevelopmental Disorder; Epileptic encephalopathy, early infantile, 27. Identifiers: Orphanet 3451, MedGen C4015316, MONDO:0014505, OMIM 616139.

Submissions (2):

Blueprint Genetics
Classification: Uncertain significance. Last evaluated: 2023-06-27. Review status: criteria provided, single submitter. Criteria: ACMG Guidelines, 2015. Collection method: clinical testing. Allele origin: germline.

Labcorp Genetics (formerly Invitae), Labcorp
Classification: Uncertain significance for Developmental and epileptic encephalopathy, 27; Intellectual developmental disorder, autosomal dominant 6, with or without seizures. Last evaluated: 2022-10-08. Review status: criteria provided, single submitter. Criteria: Invitae Variant Classification Sherloc (09022015). Collection method: clinical testing. Allele origin: germline.
Comment: In summary, the available evidence is currently insufficient to determine the role of this variant in disease. Therefore, it has been classified as a Variant of Uncertain Significance. Advanced modeling of protein sequence and biophysical properties (such as structural, functional, and spatial information, amino acid conservation, physicochemical variation, residue mobility, and thermodynamic stability) performed at Invitae indicates that this missense variant is not expected to disrupt GRIN2B protein function. This sequence change replaces asparagine, which is neutral and polar, with aspartic acid, which is acidic and polar, at codon 1258 of the GRIN2B protein (p.Asn1258Asp). This variant is not present in population databases (gnomAD no frequency). This variant has not been reported in the literature in individuals affected with GRIN2B-related conditions.